The following is an entry in ClinVar:

NM_001377.3(DYNC2H1):c.9893C>A (p.Ser3298Ter)

Gene: DYNC2H1 (dynein cytoplasmic 2 heavy chain 1; plus strand). Cytogenetic location: 11q22.3.
Variant type: single nucleotide variant.
Coding change: c.9893C>A on transcript NM_001377.3 (MANE Select); coding-DNA position 9893, C replaced by A.
Protein change: p.Ser3298Ter; replaces serine 3298 with a stop codon.
Molecular consequence: nonsense.
Genome position (GRCh38, 1-based): chr11:103,243,766, C>A. VCF-style: chr11-103243766-C-A. GRCh37 (hg19) VCF-style: chr11-103114495-C-A.
Other names: c.9914C>A (NM_001080463.1); c.9914C>A, p.Ser3305Ter (NM_001080463.2); short protein forms S3305*, S3298*.
Identifiers: ClinVar variation 2727007 (VCV002727007.6), dbSNP rs867777631, ClinGen allele CA227412244.

ClinVar aggregate classification (germline): Pathogenic/Likely pathogenic. Review status: criteria provided, multiple submitters, no conflicts (2 of 4 stars). 4 submissions from 4 submitters: Pathogenic (2); Likely pathogenic (2). Last evaluated 2025-08-01.

Conditions:
DYNC2H1-related disorder. Also called: DYNC2H1-related disorders; DYNC2H1-related condition. Identifiers: MedGen CN378770.
Jeune thoracic dystrophy. Also called: Jeune syndrome; Infantile thoracic dystrophy; Thoracic pelvic phalangeal dystrophy; Jeune's syndrome; Chondroectodermal dysplasia-like syndrome; Short-rib thoracic dysplasia. Identifiers: Orphanet 474, MedGen C0265275, MONDO:0018770.
Asphyxiating thoracic dystrophy 3. Also called: Saldino-Noonan Syndrome; SHORT-RIB THORACIC DYSPLASIA 3 WITH OR WITHOUT POLYDACTYLY; POLYDACTYLY WITH NEONATAL CHONDRODYSTROPHY, TYPE I; SHORT-RIB THORACIC DYSPLASIA 3/6 WITH POLYDACTYLY, DIGENIC; Short rib polydactyly syndrome 2B. Identifiers: Orphanet 474, Orphanet 93269, Orphanet 93270, Orphanet 93271, MedGen C0036069, MONDO:0013127, OMIM 613091.

Allele frequency attached by ClinVar (database versions not stated): gnomAD exomes below 0.00001.
gnomAD v4.1: 4 of 1,598,060 alleles (0.00025%); highest among the groups gnomAD compares: Middle Eastern, 0.067%; no homozygotes.

Submissions (4):

PreventionGenetics, part of Exact Sciences
Classification: Likely pathogenic for DYNC2H1-related condition. Last evaluated: 2025-08-01. Review status: criteria provided, single submitter. Criteria: ACMG Guidelines, 2015. Collection method: clinical testing. Allele origin: germline.
Comment: The DYNC2H1 c.9914C>A variant is predicted to result in premature protein termination (p.Ser3305*). To our knowledge, this variant has not been reported in the literature or in a large population database (gnomAD), indicating this variant is rare. Nonsense variants in DYNC2H1 are expected to be pathogenic. This variant is interpreted as likely pathogenic.

Myriad Genetics, Inc.
Classification: Pathogenic for Asphyxiating thoracic dystrophy 3. Last evaluated: 2024-11-05. Review status: criteria provided, single submitter. Criteria: Myriad Autosomal Dominant, Autosomal Recessive and X-Linked Classification Criteria (2023). Collection method: clinical testing. Allele origin: unknown.
Comment: NM_001377.2(DYNC2H1):c.9893C>A(S3298*) is expected to be pathogenic in the context of DYNC2H1-related disorders. This variant is predicted to lead to an abnormal or absent protein product due to the creation of a premature termination codon in DYNC2H1, a gene where loss-of-function variants are known to be pathogenic. Please note: this variant was assessed in the context of healthy population screening.

Fulgent Genetics
Classification: Likely pathogenic for Asphyxiating thoracic dystrophy 3. Last evaluated: 2024-02-19. Review status: criteria provided, single submitter. Criteria: ACMG Guidelines, 2015. Collection method: clinical testing. Allele origin: germline.

Labcorp Genetics (formerly Invitae), Labcorp
Classification: Pathogenic for Jeune thoracic dystrophy. Last evaluated: 2023-10-13. Review status: criteria provided, single submitter. Criteria: Invitae Variant Classification Sherloc (09022015). Collection method: clinical testing. Allele origin: germline.
Comment: This sequence change creates a premature translational stop signal (p.Ser3305*) in the DYNC2H1 gene. It is expected to result in an absent or disrupted protein product. Loss-of-function variants in DYNC2H1 are known to be pathogenic (PMID: 23339108, 32753734, 33755199). This variant is not present in population databases (gnomAD no frequency). This variant has not been reported in the literature in individuals affected with DYNC2H1-related conditions. For these reasons, this variant has been classified as Pathogenic.

Literature cited by the submitters: PubMed 23339108 (cited by Labcorp Genetics (formerly Invitae), Labcorp); PubMed 32753734 (cited by Labcorp Genetics (formerly Invitae), Labcorp); PubMed 33755199 (cited by Labcorp Genetics (formerly Invitae), Labcorp).